The following is an entry in ClinVar:

NM_020821.3(VPS13C):c.3234T>C (p.Asp1078=)

Gene: VPS13C (vacuolar protein sorting 13 homolog C; minus strand). Cytogenetic location: 15q22.2.
Variant type: single nucleotide variant.
Coding change: c.3234T>C on transcript NM_020821.3 (MANE Select); coding-DNA position 3234, T replaced by C.
Protein change: p.Asp1078=; no amino-acid change (aspartic acid 1078 retained).
Molecular consequence: synonymous variant.
Genome position (GRCh38, 1-based): chr15:61,963,932, A>G on the plus strand (T>C on the coding strand, the complement: VPS13C is on the minus strand). VCF-style: chr15-61963932-A-G. GRCh37 (hg19) VCF-style: chr15-62256131-A-G.
Other names: p.Asp1078=; c.3234T>C, p.Asp1078= (NM_001018088.3); c.3105T>C, p.Asp1035= (NM_017684.5, NM_018080.4).
Identifiers: ClinVar variation 777017 (VCV000777017.35), dbSNP rs114941240, ClinGen allele CA7596438.

ClinVar aggregate classification (germline): Benign/Likely benign. Review status: criteria provided, multiple submitters, no conflicts (2 of 4 stars). 5 submissions from 5 submitters: Benign (3); Likely benign (1). 1 of the submissions does not count toward it. Last evaluated 2026-07-01.

Conditions:
VPS13C-related disorder. Also called: VPS13C-related condition.

Allele frequency attached by ClinVar (database versions not stated): 1000 Genomes Project 0.00439; 1000 Genomes Project 30x 0.00453; TOPMed 0.00544; ESP Exome Variant Server 0.00607; gnomAD exomes 0.00678 and 0.00894; gnomAD 0.00800; ExAC 0.00839.
gnomAD v4.1: 11,162 of 1,608,016 alleles (0.69%); highest among the groups gnomAD compares: Middle Eastern, 1.2%; 86 homozygotes.

Submissions (5):

CeGaT Center for Human Genetics Tuebingen
Classification: Likely benign. Last evaluated: 2026-07-01. Review status: criteria provided, single submitter. Criteria: CeGaT Center For Human Genetics Tuebingen Variant Classification Criteria Version 2. Collection method: clinical testing. Allele origin: germline. Affected: yes. Observed: 35 variant alleles.
Comment: VPS13C: BP4, BP7, BS2

Labcorp Genetics (formerly Invitae), Labcorp
Classification: Benign. Last evaluated: 2026-01-19. Review status: criteria provided, single submitter. Criteria: Invitae Variant Classification Sherloc (09022015). Collection method: clinical testing. Allele origin: germline.

Mayo Clinic Laboratories, Mayo Clinic
Classification: Benign. Last evaluated: 2023-02-27. Review status: criteria provided, single submitter. Criteria: ACMG Guidelines, 2015. Collection method: clinical testing. Allele origin: germline. Observed: 7 variant alleles.
Comment: BS1, BS2, BP4, BP7

Breakthrough Genomics
Classification: Benign. Review status: criteria provided, single submitter. Criteria: ACMG Guidelines, 2015. Collection method: not provided. Allele origin: germline. Inheritance: Autosomal recessive inheritance. Affected: yes.

PreventionGenetics, part of Exact Sciences
Classification: Benign for VPS13C-related condition. Last evaluated: 2019-03-05. Review status: no assertion criteria provided. Collection method: clinical testing. Allele origin: germline. Not counted in ClinVar's aggregate classification.
Comment: This variant is classified as benign based on ACMG/AMP sequence variant interpretation guidelines (Richards et al. 2015 PMID: 25741868, with internal and published modifications).